The following is an entry in ClinVar:

NM_002734.5(PRKAR1A):c.41G>C (p.Ser14Thr)

Gene: PRKAR1A (protein kinase cAMP-dependent type I regulatory subunit alpha; plus strand). Cytogenetic location: 17q24.2.
Variant type: single nucleotide variant.
Coding change: c.41G>C on transcript NM_002734.5 (MANE Select); coding-DNA position 41, G replaced by C.
Protein change: p.Ser14Thr; replaces serine 14 with threonine.
Molecular consequence: missense variant.
Genome position (GRCh38, 1-based): chr17:68,515,440, G>C. VCF-style: chr17-68515440-G-C. GRCh37 (hg19) VCF-style: chr17-66511581-G-C.
Other names: c.41G>C, p.Ser14Thr (NM_001276289.2, NM_001276290.1, NM_001278433.2 and 4 more transcripts); short protein forms S14T.
Identifiers: ClinVar variation 3783303 (VCV003783303.2).

ClinVar aggregate classification (germline): Uncertain significance. Review status: criteria provided, multiple submitters, no conflicts (2 of 4 stars). 2 submissions from 2 submitters: Uncertain significance (2). Last evaluated 2025-09-13.

Conditions:
Carney complex, type 1 (CNC1). Also called: CARNEY MYXOMA-ENDOCRINE COMPLEX; CARNEY COMPLEX, TYPE I. Identifiers: Orphanet 1359, MedGen C2607929, MONDO:0008057, OMIM 160980.
Hereditary cancer-predisposing syndrome. Also called: Neoplastic Syndromes, Hereditary; Hereditary Cancer Syndrome; Tumor predisposition; Hereditary neoplastic syndrome. Identifiers: Orphanet 140162, MedGen C0027672, MeSH D009386, MONDO:0015356.

gnomAD v4.1: 4 of 1,613,584 alleles (0.00025%); highest among the groups gnomAD compares: East Asian, 0.0022%; no homozygotes.

Submissions (2):

Labcorp Genetics (formerly Invitae), Labcorp
Classification: Uncertain significance for Carney complex, type 1. Last evaluated: 2025-09-13. Review status: criteria provided, single submitter. Criteria: Invitae Variant Classification Sherloc (09022015). Collection method: clinical testing. Allele origin: germline.
Comment: This sequence change replaces serine, which is neutral and polar, with threonine, which is neutral and polar, at codon 14 of the PRKAR1A protein (p.Ser14Thr). This variant is present in population databases (no rsID available, gnomAD 0.004%). This variant has not been reported in the literature in individuals affected with PRKAR1A-related conditions. ClinVar contains an entry for this variant (Variation ID: 3783303). Invitae Evidence Modeling of protein sequence and biophysical properties (such as structural, functional, and spatial information, amino acid conservation, physicochemical variation, residue mobility, and thermodynamic stability) indicates that this missense variant is not expected to disrupt PRKAR1A protein function with a negative predictive value of 95%. In summary, the available evidence is currently insufficient to determine the role of this variant in disease. Therefore, it has been classified as a Variant of Uncertain Significance.

Ambry Genetics
Classification: Uncertain significance for Hereditary cancer-predisposing syndrome. Last evaluated: 2025-03-04. Review status: criteria provided, single submitter. Criteria: Ambry Variant Classification Scheme 2023. Collection method: clinical testing. Allele origin: germline.
Comment: The p.S14T variant (also known as c.41G>C), located in coding exon 1 of the PRKAR1A gene, results from a G to C substitution at nucleotide position 41. The serine at codon 14 is replaced by threonine, an amino acid with similar properties. This amino acid position is highly conserved in available vertebrate species. In addition, the in silico prediction for this alteration is inconclusive. Based on the available evidence, the clinical significance of this variant remains unclear.